The following is an entry in ClinVar:

NM_017934.7(PHIP):c.3864A>C (p.Lys1288Asn)

Genes: IRAK1BP1 (interleukin 1 receptor associated kinase 1 binding protein 1; plus strand), PHIP (PHIP subunit of CUL4-Ring ligase complex; minus strand). Cytogenetic location: 6q14.1.
Variant type: single nucleotide variant.
Coding change: c.3864A>C on transcript NM_017934.7 (MANE Select); coding-DNA position 3864, A replaced by C.
Protein change: p.Lys1288Asn; replaces lysine 1288 with asparagine.
Molecular consequence: missense variant.
Genome position (GRCh38, 1-based): chr6:78,955,271, T>G on the plus strand (A>C on the coding strand, the complement: PHIP is on the minus strand). VCF-style: chr6-78955271-T-G. GRCh37 (hg19) VCF-style: chr6-79664988-T-G.
Other names: short protein forms K1288N.
Identifiers: ClinVar variation 4881134 (VCV004881134.2).

ClinVar aggregate classification (germline): Uncertain significance (1 of 4 stars; one submission).

Submission:

Dasa
Classification: Uncertain significance. Last evaluated: 2024-09-15. Review status: criteria provided, single submitter. Criteria: DASA Assertion Criteria. Collection method: clinical testing. Allele origin: germline.
Comment: NM_017934.7(PHIP):c.3864A>C (p.Lys1288Asn) is a missense variant that results in the substitution of lysine with asparagine. This variant is absent from population databases. Computational prediction algorithms are consistent with a benign effect. The currently available literature and clinical evidence are not sufficient to establish a definitive association between this variant and the reported condition. Therefore, this variant is classified as a variant of uncertain significance.